The following is an entry in ClinVar:

ClinVar aggregate classification (germline): Uncertain significance (1 of 4 stars; one submission).

gnomAD v4.1: 2 of 1,611,392 alleles (0.00012%); highest among the groups gnomAD compares: African/African-American, 0.0013%; no homozygotes.

Submission:

Labcorp Genetics (formerly Invitae), Labcorp
Classification: Uncertain significance. Last evaluated: 2025-04-21. Review status: criteria provided, single submitter. Criteria: Invitae Variant Classification Sherloc (09022015). Collection method: clinical testing. Allele origin: germline.
Comment: This sequence change replaces alanine, which is neutral and non-polar, with threonine, which is neutral and polar, at codon 498 of the ASXL1 protein (p.Ala498Thr). This variant is not present in population databases (gnomAD no frequency). This variant has not been reported in the literature in individuals affected with ASXL1-related conditions. An algorithm developed to predict the effect of missense changes on protein structure and function outputs the following: PolyPhen-2: "Benign". The threonine amino acid residue is found in multiple mammalian species, which suggests that this missense change does not adversely affect protein function. In summary, the available evidence is currently insufficient to determine the role of this variant in disease. Therefore, it has been classified as a Variant of Uncertain Significance.

NM_015338.6(ASXL1):c.1492G>A (p.Ala498Thr)

Gene: ASXL1 (ASXL transcriptional regulator 1; plus strand). Cytogenetic location: 20q11.21.
Variant type: single nucleotide variant.
Coding change: c.1492G>A on transcript NM_015338.6 (MANE Select); coding-DNA position 1492, G replaced by A.
Protein change: p.Ala498Thr; replaces alanine 498 with threonine.
Molecular consequence: missense variant.
Genome position (GRCh38, 1-based): chr20:32,433,690, G>A. VCF-style: chr20-32433690-G-A. GRCh37 (hg19) VCF-style: chr20-31021493-G-A.
Other names: c.1309G>A, p.Ala437Thr (NM_001363734.1); short protein forms A437T, A498T.
Identifiers: ClinVar variation 4766705 (VCV004766705.1).